The following is an entry in ClinVar:

ClinVar aggregate classification (germline): Uncertain significance (1 of 4 stars; one submission).

Submission:

Labcorp Genetics (formerly Invitae), Labcorp
Classification: Uncertain significance. Last evaluated: 2023-10-13. Review status: criteria provided, single submitter. Criteria: Invitae Variant Classification Sherloc (09022015). Collection method: clinical testing. Allele origin: unknown.
Comment: A copy number gain of the genomic region encompassing the full coding sequence of the NTRK2 gene has been identified. The boundaries of this event are unknown as they extend beyond the assayed region for this gene and therefore may encompass additional genes. As the precise location of this event is unknown, it may be in tandem or it may be located elsewhere in the genome. This variant has not been reported in the literature in individuals affected with NTRK2-related conditions. In summary, the available evidence is currently insufficient to determine the role of this variant in disease. Therefore, it has been classified as a Variant of Uncertain Significance.

NC_000009.11:g.(?_87285664)_(87636352_?)dup

Gene: NTRK2 (neurotrophic receptor tyrosine kinase 2; plus strand). Cytogenetic location: 9q21.33.
Variant type: Duplication.
Identifiers: ClinVar variation 3245342 (VCV003245342.1).